The following is an entry in ClinVar:

ClinVar aggregate classification (germline): Uncertain significance (1 of 4 stars; one submission).

Conditions:
Hereditary cancer-predisposing syndrome. Also called: Hereditary neoplastic syndrome; Neoplastic Syndromes, Hereditary; Tumor predisposition; Hereditary Cancer Syndrome. Identifiers: Orphanet 140162, MedGen C0027672, MeSH D009386, MONDO:0015356.

Submission:

Ambry Genetics
Classification: Uncertain significance for Hereditary cancer-predisposing syndrome. Last evaluated: 2025-07-03. Review status: criteria provided, single submitter. Criteria: Ambry Variant Classification Scheme 2023. Collection method: clinical testing. Allele origin: germline.
Comment: The p.S53P variant (also known as c.157T>C), located in coding exon 2 of the NBN gene, results from a T to C substitution at nucleotide position 157. The serine at codon 53 is replaced by proline, an amino acid with similar properties. This amino acid position is conserved. In addition, this alteration is predicted to be tolerated by in silico analysis. Based on the available evidence, the clinical significance of this variant remains unclear.

NM_002485.5(NBN):c.157T>C (p.Ser53Pro)

Gene: NBN (nibrin; minus strand). Cytogenetic location: 8q21.3.
Variant type: single nucleotide variant.
Coding change: c.157T>C on transcript NM_002485.5 (MANE Select); coding-DNA position 157, T replaced by C.
Protein change: p.Ser53Pro; replaces serine 53 with proline.
Molecular consequence: missense variant. On other transcripts: 5 prime UTR variant (3).
Genome position (GRCh38, 1-based): chr8:89,982,736, A>G on the plus strand (T>C on the coding strand, the complement: NBN is on the minus strand). VCF-style: chr8-89982736-A-G. GRCh37 (hg19) VCF-style: chr8-90994964-A-G.
Other names: c.-140T>C (NM_001024688.3, NM_001440380.1); c.-90T>C (NM_001440379.1); short protein forms S53P.
Identifiers: ClinVar variation 4117265 (VCV004117265.1).